The following is an entry in ClinVar:

NM_001256857.1(USP17L17):c.193A>C (p.Arg65=)

Gene: USP17L17 (ubiquitin specific peptidase 17 like family member 17; plus strand). Cytogenetic location: 4p16.1.
Variant type: single nucleotide variant.
Coding change: c.193A>C on transcript NM_001256857.1 (MANE Select); coding-DNA position 193, A replaced by C.
Protein change: p.Arg65=; no amino-acid change (arginine 65 retained).
Molecular consequence: synonymous variant.
Genome position (GRCh38, 1-based): chr4:9,244,071, A>C. VCF-style: chr4-9244071-A-C. GRCh37 (hg19) VCF-style: chr4-9245797-A-C.
Identifiers: ClinVar variation 2654661 (VCV002654661.24), dbSNP rs2474482406, ClinGen allele CA438680802.

ClinVar aggregate classification (germline): Likely benign (1 of 4 stars; one submission).

Submission:

CeGaT Center for Human Genetics Tuebingen
Classification: Likely benign. Last evaluated: 2023-01-01. Review status: criteria provided, single submitter. Criteria: CeGaT Center For Human Genetics Tuebingen Variant Classification Criteria Version 2. Collection method: clinical testing. Allele origin: germline. Affected: yes. Observed: 1 variant allele.
Comment: USP17L17: PM2:Supporting, BP4, BP7